The following is an entry in ClinVar:

NM_005751.5(AKAP9):c.3953-3T>C

Gene: AKAP9 (A-kinase anchoring protein 9; plus strand). Cytogenetic location: 7q21.2.
Variant type: single nucleotide variant.
Coding change: c.3953-3T>C on transcript NM_005751.5 (MANE Select); 3 bases into the intron before coding-DNA position 3953, T replaced by C.
Molecular consequence: intron variant.
Genome position (GRCh38, 1-based): chr7:92,022,811, T>C. VCF-style: chr7-92022811-T-C. GRCh37 (hg19) VCF-style: chr7-91652125-T-C.
Other names: c.3953-3T>C (NM_147185.3).
Identifiers: ClinVar variation 180267 (VCV000180267.6), dbSNP rs730880045, ClinGen allele CA346169.

ClinVar aggregate classification (germline): Uncertain significance. Review status: criteria provided, multiple submitters, no conflicts (2 of 4 stars). 3 submissions from 3 submitters: Uncertain significance (3). Last evaluated 2025-05-04.

Conditions:
Cardiovascular phenotype. Identifiers: MedGen CN230736.
Long QT syndrome (LQTS). Identifiers: MedGen C0023976, MeSH D008133, MONDO:0002442. Disease mechanism: loss of function. Inheritance: Various modes of inheritance.
Long QT syndrome 11 (LQT11). Identifiers: Orphanet 101016, Orphanet 768, MedGen C2678483, MONDO:0012738, OMIM 611820.

Allele frequency attached by ClinVar (database versions not stated): gnomAD exomes 0.00001 and 0.00005; TOPMed 0.00001; gnomAD 0.00002; ExAC 0.00001.
gnomAD v4.1: 66 of 1,564,628 alleles (0.0042%); highest among the groups gnomAD compares: Non-Finnish European, 0.0055%; no homozygotes.

Submissions (3):

Labcorp Genetics (formerly Invitae), Labcorp
Classification: Uncertain significance for Long QT syndrome. Last evaluated: 2025-05-04. Review status: criteria provided, single submitter. Criteria: Invitae Variant Classification Sherloc (09022015). Collection method: clinical testing. Allele origin: germline.
Comment: This sequence change falls in intron 13 of the AKAP9 gene. It does not directly change the encoded amino acid sequence of the AKAP9 protein. It affects a nucleotide within the consensus splice site. This variant is present in population databases (rs730880045, gnomAD 0.004%). This variant has not been reported in the literature in individuals affected with AKAP9-related conditions. ClinVar contains an entry for this variant (Variation ID: 180267). Variants that disrupt the consensus splice site are a relatively common cause of aberrant splicing (PMID: 17576681, 9536098). Algorithms developed to predict the effect of sequence changes on RNA splicing suggest that this variant is not likely to affect RNA splicing. In summary, the available evidence is currently insufficient to determine the role of this variant in disease. Therefore, it has been classified as a Variant of Uncertain Significance.

Ambry Genetics
Classification: Uncertain significance for Cardiovascular phenotype. Last evaluated: 2023-09-15. Review status: criteria provided, single submitter. Criteria: Ambry Variant Classification Scheme 2023. Collection method: clinical testing. Allele origin: germline.
Comment: The c.3953-3T>C intronic variant results from a T to C substitution 3 nucleotides upstream from coding exon 14 in the AKAP9 gene. This nucleotide position is well conserved in available vertebrate species. In silico splice site analysis predicts that this alteration will not have any significant effect on splicing. The evidence for this gene-disease relationship is limited; therefore, the clinical significance of this alteration is unclear.

Fulgent Genetics
Classification: Uncertain significance for Long QT syndrome 11. Last evaluated: 2021-09-23. Review status: criteria provided, single submitter. Criteria: ACMG Guidelines, 2015. Collection method: clinical testing. Allele origin: unknown.

Literature cited by the submitters: PubMed 17576681 (cited by Labcorp Genetics (formerly Invitae), Labcorp); PubMed 9536098 (cited by Labcorp Genetics (formerly Invitae), Labcorp).